The following is an entry in ClinVar:

ClinVar aggregate classification (germline): Uncertain significance (1 of 4 stars; one submission).

Conditions:
Dilated cardiomyopathy 1R (CMD1R). Identifiers: Orphanet 154, Orphanet 54260, MedGen C3150681, MONDO:0013261, OMIM 613424.
Atrial septal defect 5 (ASD5). Identifiers: Orphanet 1478, MedGen C2748552, MONDO:0013011, OMIM 612794.
Hypertrophic cardiomyopathy 11. Also called: ACTC1-Related Familial Hypertrophic Cardiomyopathy. Identifiers: MedGen C2677506, MONDO:0012799, OMIM 612098.

Submission:

Labcorp Genetics (formerly Invitae), Labcorp
Classification: Uncertain significance for Dilated cardiomyopathy 1R; Hypertrophic cardiomyopathy 11; Atrial septal defect 5. Last evaluated: 2021-10-18. Review status: criteria provided, single submitter. Criteria: Invitae Variant Classification Sherloc (09022015). Collection method: clinical testing. Allele origin: germline.
Comment: In summary, the available evidence is currently insufficient to determine the role of this variant in disease. Therefore, it has been classified as a Variant of Uncertain Significance. Algorithms developed to predict the effect of missense changes on protein structure and function are either unavailable or do not agree on the potential impact of this missense change (SIFT: "Deleterious"; PolyPhen-2: "Probably Damaging"; Align-GVGD: "Class C0"). This variant has not been reported in the literature in individuals affected with ACTC1-related conditions. This variant is not present in population databases (ExAC no frequency). This sequence change replaces leucine with methionine at codon 218 of the ACTC1 protein (p.Leu218Met). The leucine residue is highly conserved and there is a small physicochemical difference between leucine and methionine.

NM_005159.5(ACTC1):c.652C>A (p.Leu218Met)

Genes: ACTC1 (actin alpha cardiac muscle 1; minus strand), GJD2-DT (GJD2 divergent transcript; plus strand). Cytogenetic location: 15q14.
Variant type: single nucleotide variant.
Coding change: c.652C>A on transcript NM_005159.5 (MANE Select); coding-DNA position 652, C replaced by A.
Protein change: p.Leu218Met; replaces leucine 218 with methionine.
Molecular consequence: missense variant.
Genome position (GRCh38, 1-based): chr15:34,792,246, G>T on the plus strand (C>A on the coding strand, the complement: ACTC1 is on the minus strand). VCF-style: chr15-34792246-G-T. GRCh37 (hg19) VCF-style: chr15-35084447-G-T.
Other names: short protein forms L218M.
Identifiers: ClinVar variation 1468944 (VCV001468944.6), dbSNP rs760269526, ClinGen allele CA391630695.